The following is an entry in ClinVar:

NM_015040.4(PIKFYVE):c.1468+15C>T

Gene: PIKFYVE (phosphoinositide kinase, FYVE-type zinc finger containing; plus strand). Cytogenetic location: 2q34.
Variant type: single nucleotide variant.
Coding change: c.1468+15C>T on transcript NM_015040.4 (MANE Select); 15 bases into the intron after coding-DNA position 1468, C replaced by T.
Molecular consequence: intron variant.
Genome position (GRCh38, 1-based): chr2:208,304,333, C>T. VCF-style: chr2-208304333-C-T. GRCh37 (hg19) VCF-style: chr2-209169057-C-T.
Other names: c.1468+15C>T (NM_001178000.2); c.1177+15C>T (NM_152671.4).
Identifiers: ClinVar variation 897242 (VCV000897242.4), dbSNP rs781345811, ClinGen allele CA2079534.

ClinVar aggregate classification (germline): Likely benign (1 of 4 stars; one submission).

Conditions:
Fleck corneal dystrophy (CFD). Also called: CORNEAL DYSTROPHY, FRANCOIS-NEETENS SPECKLED OR FLECKED. Identifiers: Orphanet 98970, MedGen C1562113, MONDO:0007376, OMIM 121850.

Allele frequency attached by ClinVar (database versions not stated): TOPMed 0.00001; ExAC 0.00002; gnomAD 0.00003; gnomAD exomes 0.00003.
gnomAD v4.1: 90 of 1,612,868 alleles (0.0056%); highest among the groups gnomAD compares: Non-Finnish European, 0.0074%; no homozygotes.

Submission:

Illumina Laboratory Services, Illumina
Classification: Likely benign for Fleck corneal dystrophy. Last evaluated: 2018-01-13. Review status: criteria provided, single submitter. Criteria: ICSL Variant Classification Criteria 13 December 2019. Collection method: clinical testing. Allele origin: germline.
Comment: This variant was observed in the ICSL laboratory as part of a predisposition screen in an ostensibly healthy population. It had not been previously curated by ICSL or reported in the Human Gene Mutation Database (HGMD: prior to June 1st, 2018), and was therefore a candidate for classification through an automated scoring system. Utilizing variant allele frequency, disease prevalence and penetrance estimates, and inheritance mode, an automated score was calculated to assess if this variant is too frequent to cause the disease. Based on the score and internal cut-off values, a variant classified as likely benign is not then subjected to further curation. The score for this variant resulted in a classification of likely benign for this disease.